The following is an entry in ClinVar:

ClinVar aggregate classification (germline): Likely benign. Review status: criteria provided, multiple submitters, no conflicts (2 of 4 stars). 3 submissions from 3 submitters: Likely benign (2). 1 of the submissions does not count toward it. Last evaluated 2026-02-01.

Conditions:
MRTFA-related disorder. Also called: MRTFA-related condition.

Allele frequency attached by ClinVar (database versions not stated): ESP Exome Variant Server 0.00040; TOPMed 0.00054; gnomAD 0.00058 and 0.00060; gnomAD exomes 0.00059; ExAC 0.00068; 1000 Genomes Project 0.00080; 1000 Genomes Project 30x 0.00094.
gnomAD v4.1: 1,745 of 1,383,234 alleles (0.13%); highest among the groups gnomAD compares: Non-Finnish European, 0.14%; 2 homozygotes.

Submissions (3):

Labcorp Genetics (formerly Invitae), Labcorp
Classification: Likely benign. Last evaluated: 2026-02-01. Review status: criteria provided, single submitter. Criteria: Invitae Variant Classification Sherloc (09022015). Collection method: clinical testing. Allele origin: germline.

Blueprint Genetics
Classification: Likely benign. Last evaluated: 2024-09-10. Review status: criteria provided, single submitter. Criteria: ACMG Guidelines, 2015. Collection method: clinical testing. Allele origin: germline.

PreventionGenetics, part of Exact Sciences
Classification: Likely benign for MRTFA-related condition. Last evaluated: 2024-01-19. Review status: no assertion criteria provided. Collection method: clinical testing. Allele origin: germline. Not counted in ClinVar's aggregate classification.
Comment: This variant is classified as likely benign based on ACMG/AMP sequence variant interpretation guidelines (Richards et al. 2015 PMID: 25741868, with internal and published modifications).

NM_020831.6(MRTFA):c.2080G>A (p.Ala694Thr)

Gene: MRTFA (myocardin related transcription factor A; minus strand). Cytogenetic location: 22q13.1.
Variant type: single nucleotide variant.
Coding change: c.2080G>A on transcript NM_020831.6 (MANE Select); coding-DNA position 2080, G replaced by A.
Protein change: p.Ala694Thr; replaces alanine 694 with threonine.
Molecular consequence: missense variant.
Genome position (GRCh38, 1-based): chr22:40,418,658, C>T on the plus strand (G>A on the coding strand, the complement: MRTFA is on the minus strand). VCF-style: chr22-40418658-C-T. GRCh37 (hg19) VCF-style: chr22-40814662-C-T.
Other names: c.1780G>A, p.Ala594Thr (NM_001282660.2); c.1930G>A, p.Ala644Thr (NM_001282661.3); c.2080G>A, p.Ala694Thr (NM_001282662.3); c.1885G>A, p.Ala629Thr (NM_001318139.2); c.1780G>A (NM_020831.4); short protein forms A594T, A629T, A644T, A694T.
Identifiers: ClinVar variation 1108883 (VCV001108883.12), dbSNP rs200833366, ClinGen allele CA10249454.